The following is an entry in ClinVar:

NM_001457.4(FLNB):c.2148C>A (p.His716Gln)

Gene: FLNB (filamin B; plus strand). Cytogenetic location: 3p14.3.
Variant type: single nucleotide variant.
Coding change: c.2148C>A on transcript NM_001457.4 (MANE Select); coding-DNA position 2148, C replaced by A.
Protein change: p.His716Gln; replaces histidine 716 with glutamine.
Molecular consequence: missense variant.
Genome position (GRCh38, 1-based): chr3:58,109,271, C>A. VCF-style: chr3-58109271-C-A. GRCh37 (hg19) VCF-style: chr3-58094998-C-A.
Other names: c.2148C>A, p.His716Gln (NM_001164317.2, NM_001164318.2, NM_001164319.2); short protein forms H716Q.
Identifiers: ClinVar variation 3635705 (VCV003635705.2).

ClinVar aggregate classification (germline): Uncertain significance (1 of 4 stars; one submission).

Submission:

Labcorp Genetics (formerly Invitae), Labcorp
Classification: Uncertain significance. Last evaluated: 2024-02-02. Review status: criteria provided, single submitter. Criteria: Invitae Variant Classification Sherloc (09022015). Collection method: clinical testing. Allele origin: germline.
Comment: This sequence change replaces histidine, which is basic and polar, with glutamine, which is neutral and polar, at codon 716 of the FLNB protein (p.His716Gln). This variant is not present in population databases (gnomAD no frequency). This variant has not been reported in the literature in individuals affected with FLNB-related conditions. Advanced modeling of protein sequence and biophysical properties (such as structural, functional, and spatial information, amino acid conservation, physicochemical variation, residue mobility, and thermodynamic stability) performed at Invitae indicates that this missense variant is not expected to disrupt FLNB protein function with a negative predictive value of 95%. In summary, the available evidence is currently insufficient to determine the role of this variant in disease. Therefore, it has been classified as a Variant of Uncertain Significance.